The following is an entry in ClinVar:

NM_145886.4(PIDD1):c.2187T>C (p.Pro729=)

Gene: PIDD1 (p53-induced death domain protein 1; minus strand). Cytogenetic location: 11p15.5.
Variant type: single nucleotide variant.
Coding change: c.2187T>C on transcript NM_145886.4 (MANE Select); coding-DNA position 2187, T replaced by C.
Protein change: p.Pro729=; no amino-acid change (proline 729 retained).
Molecular consequence: synonymous variant.
Genome position (GRCh38, 1-based): chr11:800,218, A>G on the plus strand (T>C on the coding strand, the complement: PIDD1 is on the minus strand). VCF-style: chr11-800218-A-G. GRCh37 (hg19) VCF-style: chr11-800218-A-G.
Other names: c.2136T>C, p.Pro712= (NM_145887.4).
Identifiers: ClinVar variation 3058791 (VCV003058791.2), dbSNP rs765699624, ClinGen allele CA5789671.

ClinVar aggregate classification (germline): Likely benign (0 of 4 stars; one submission).

Conditions:
PIDD1-related disorder. Also called: PIDD1-related condition.

Allele frequency attached by ClinVar (database versions not stated): gnomAD 0.00001; TOPMed 0.00001; gnomAD exomes 0.00002; ExAC 0.00007.
gnomAD v4.1: 33 of 1,610,092 alleles (0.002%); highest among the groups gnomAD compares: South Asian, 0.032%; no homozygotes.

Submission:

PreventionGenetics, part of Exact Sciences
Classification: Likely benign for PIDD1-related condition. Last evaluated: 2019-04-09. Review status: no assertion criteria provided. Collection method: clinical testing. Allele origin: germline.
Comment: This variant is classified as likely benign based on ACMG/AMP sequence variant interpretation guidelines (Richards et al. 2015 PMID: 25741868, with internal and published modifications).